The following is an entry in ClinVar:

NM_006383.4(CIB2):c.384_385insT (p.Glu129Ter)

Gene: CIB2 (calcium and integrin binding family member 2; minus strand). Cytogenetic location: 15q25.1.
Variant type: Insertion.
Coding change: c.384_385insT on transcript NM_006383.4 (MANE Select); coding-DNA positions 384 to 385, T inserted.
Protein change: p.Glu129Ter; replaces glutamic acid 129 with a stop codon.
Molecular consequence: nonsense. On other transcripts: non-coding transcript variant (1).
Genome position: GRCh38 VCF-style: chr15-78105896-C-CA. GRCh37 (hg19) VCF-style: chr15-78398238-C-CA.
Other names: c.255_256insT, p.Glu86Ter (NM_001271888.2); c.237_238insT, p.Glu80Ter (NM_001271889.2); c.399_400insT, p.Glu134Ter (NM_001301224.2); short protein forms E129*, E134*, E80*, E86*.
Identifiers: ClinVar variation 3601900 (VCV003601900.1).

ClinVar aggregate classification (germline): Pathogenic (1 of 4 stars; one submission).

Conditions:
Autosomal recessive nonsyndromic hearing loss 48. Also called: Deafness, autosomal recessive 48; Usher Syndrome Type 1J. Identifiers: Orphanet 231169, Orphanet 886, Orphanet 90636, MedGen C1836199, MONDO:0012273, OMIM 609439.

Submission:

Institute of Rare Diseases, West China Hospital, Sichuan University
Classification: Pathogenic for Autosomal recessive nonsyndromic hearing loss 48. Last evaluated: 2025-01-09. Review status: criteria provided, single submitter. Criteria: ClinGen HL ACMG Specifications v1. Collection method: research. Allele origin: germline. Affected: yes.
Comment: PVS1;PM3;PM2_Supporting